The following is an entry in ClinVar:

NM_001388492.1(HTT):c.2576G>A (p.Ser859Asn)

Gene: HTT (huntingtin; plus strand). Cytogenetic location: 4p16.3.
Variant type: single nucleotide variant.
Coding change: c.2576G>A on transcript NM_001388492.1 (MANE Select); coding-DNA position 2576, G replaced by A.
Protein change: p.Ser859Asn; replaces serine 859 with asparagine.
Molecular consequence: missense variant.
Genome position (GRCh38, 1-based): chr4:3,134,483, G>A. VCF-style: chr4-3134483-G-A. GRCh37 (hg19) VCF-style: chr4-3136210-G-A.
Other names: c.2582G>A, p.Ser861Asn (NM_002111.8); short protein forms S861N, S859N.
Identifiers: ClinVar variation 1383009 (VCV001383009.6), dbSNP rs1715969018, ClinGen allele CA356089494.

ClinVar aggregate classification (germline): Uncertain significance (1 of 4 stars; one submission).

Submission:

Labcorp Genetics (formerly Invitae), Labcorp
Classification: Uncertain significance. Last evaluated: 2023-08-17. Review status: criteria provided, single submitter. Criteria: Invitae Variant Classification Sherloc (09022015). Collection method: clinical testing. Allele origin: germline.
Comment: This sequence change replaces serine, which is neutral and polar, with asparagine, which is neutral and polar, at codon 861 of the HTT protein (p.Ser861Asn). This variant is not present in population databases (gnomAD no frequency). This variant has not been reported in the literature in individuals affected with HTT-related conditions. ClinVar contains an entry for this variant (Variation ID: 1383009). Experimental studies and prediction algorithms are not available or were not evaluated, and the functional significance of this variant is currently unknown. In summary, the available evidence is currently insufficient to determine the role of this variant in disease. Therefore, it has been classified as a Variant of Uncertain Significance.